The following is an entry in ClinVar:

ClinVar aggregate classification (germline): Uncertain significance. Review status: criteria provided, multiple submitters, no conflicts (2 of 4 stars). 2 submissions from 2 submitters: Uncertain significance (2). Last evaluated 2023-11-27.

Allele frequency attached by ClinVar (database versions not stated): gnomAD exomes below 0.00001 and 0.00001; gnomAD 0.00001.
gnomAD v4.1: 5 of 1,613,074 alleles (0.00031%); highest among the groups gnomAD compares: Admixed American, 0.0033%; no homozygotes.

Submissions (2):

Labcorp Genetics (formerly Invitae), Labcorp
Classification: Uncertain significance. Last evaluated: 2023-11-27. Review status: criteria provided, single submitter. Criteria: Invitae Variant Classification Sherloc (09022015). Collection method: clinical testing. Allele origin: germline.
Comment: This sequence change replaces leucine, which is neutral and non-polar, with serine, which is neutral and polar, at codon 1938 of the SCN3A protein (p.Leu1938Ser). This variant is present in population databases (no rsID available, gnomAD 0.003%). This variant has not been reported in the literature in individuals affected with SCN3A-related conditions. ClinVar contains an entry for this variant (Variation ID: 1331297). Advanced modeling of protein sequence and biophysical properties (such as structural, functional, and spatial information, amino acid conservation, physicochemical variation, residue mobility, and thermodynamic stability) performed at Invitae indicates that this missense variant is not expected to disrupt SCN3A protein function with a negative predictive value of 95%. In summary, the available evidence is currently insufficient to determine the role of this variant in disease. Therefore, it has been classified as a Variant of Uncertain Significance.

GeneDx
Classification: Uncertain significance. Last evaluated: 2021-07-01. Review status: criteria provided, single submitter. Criteria: GeneDx Variant Classification Process June 2021. Collection method: clinical testing. Allele origin: germline. Affected: yes.
Comment: Not observed at significant frequency in large population cohorts (Lek et al., 2016); In silico analysis supports that this missense variant does not alter protein structure/function; Has not been previously published as pathogenic or benign to our knowledge; This variant is associated with the following publications: (PMID: 27535533)

NM_006922.4(SCN3A):c.5813T>C (p.Leu1938Ser)

Gene: SCN3A (sodium voltage-gated channel alpha subunit 3; minus strand). Cytogenetic location: 2q24.3.
Variant type: single nucleotide variant.
Coding change: c.5813T>C on transcript NM_006922.4 (MANE Select); coding-DNA position 5813, T replaced by C.
Protein change: p.Leu1938Ser; replaces leucine 1938 with serine.
Molecular consequence: missense variant.
Genome position (GRCh38, 1-based): chr2:165,090,340, A>G on the plus strand (T>C on the coding strand, the complement: SCN3A is on the minus strand). VCF-style: chr2-165090340-A-G. GRCh37 (hg19) VCF-style: chr2-165946850-A-G.
Other names: c.5666T>C, p.Leu1889Ser (NM_001081676.2, NM_001081677.2); short protein forms L1889S, L1938S.
Identifiers: ClinVar variation 1331297 (VCV001331297.6), dbSNP rs1304082055, ClinGen allele CA349009568.